The following is an entry in ClinVar:

NM_006282.5(STK4):c.663G>T (p.Lys221Asn)

Gene: STK4 (serine/threonine kinase 4; plus strand). Cytogenetic location: 20q13.12.
Variant type: single nucleotide variant.
Coding change: c.663G>T on transcript NM_006282.5 (MANE Select); coding-DNA position 663, G replaced by T.
Protein change: p.Lys221Asn; replaces lysine 221 with asparagine.
Molecular consequence: missense variant.
Genome position (GRCh38, 1-based): chr20:44,995,227, G>T. VCF-style: chr20-44995227-G-T. GRCh37 (hg19) VCF-style: chr20-43623868-G-T.
Other names: c.663G>T (NM_006282.2); c.663G>T, p.Lys221Asn (NM_001352385.2); short protein forms K221N.
Identifiers: ClinVar variation 1488075 (VCV001488075.9), dbSNP rs1406011532, ClinGen allele CA9873840.
Genomic context (GRCh38, chr20:44,995,227, plus strand): 5'-CAACTGTGTAGCAGACATCTGGTCCCTGGGAATAACTGCCATAGAAATGGCTGAAGGAAA[G>T]CCCCCTTATGCTGATATCCATCCAATGAGGGTAAGAAAGTGGACAGAAAGCCAGTGGGGT-3'
Protein context (NP_006273.1, residues 211-231): GITAIEMAEG[Lys221Asn]PPYADIHPMR

ClinVar aggregate classification (germline): Uncertain significance. Review status: criteria provided, multiple submitters, no conflicts (2 of 4 stars). 2 submissions from 2 submitters: Uncertain significance (2). Last evaluated 2025-04-13.

Conditions:
Inborn genetic diseases. Identifiers: MedGen C0950123, MeSH D030342.
Combined immunodeficiency due to STK4 deficiency (IMD110). Also called: T-cell immunodeficiency, recurrent infections, and autoimmunity with or without cardiac malformations; STK4 DEFICIENCY; MST1 DEFICIENCY. Identifiers: Orphanet 314689, MedGen C3553943, MONDO:0013934, OMIM 614868.

Allele frequency attached by ClinVar (database versions not stated): TOPMed below 0.00001; ExAC 0.00001; gnomAD 0.00001; gnomAD exomes 0.00001.

Submissions (2):

Ambry Genetics
Classification: Uncertain significance for Inborn genetic diseases. Last evaluated: 2025-04-13. Review status: criteria provided, single submitter. Criteria: Ambry Variant Classification Scheme 2023. Collection method: clinical testing. Allele origin: germline.

Labcorp Genetics (formerly Invitae), Labcorp
Classification: Uncertain significance for Combined immunodeficiency due to STK4 deficiency. Last evaluated: 2023-06-02. Review status: criteria provided, single submitter. Criteria: Invitae Variant Classification Sherloc (09022015). Collection method: clinical testing. Allele origin: germline.
Comment: In summary, the available evidence is currently insufficient to determine the role of this variant in disease. Therefore, it has been classified as a Variant of Uncertain Significance. Advanced modeling of protein sequence and biophysical properties (such as structural, functional, and spatial information, amino acid conservation, physicochemical variation, residue mobility, and thermodynamic stability) performed at Invitae indicates that this missense variant is not expected to disrupt STK4 protein function. ClinVar contains an entry for this variant (Variation ID: 1488075). This variant has not been reported in the literature in individuals affected with STK4-related conditions. This variant is present in population databases (no rsID available, gnomAD 0.002%). This sequence change replaces lysine, which is basic and polar, with asparagine, which is neutral and polar, at codon 221 of the STK4 protein (p.Lys221Asn).